The following is an entry in ClinVar:

ClinVar aggregate classification (germline): Conflicting classifications of pathogenicity. Review status: criteria provided, conflicting classifications (1 of 4 stars). 2 submissions from 2 submitters: Uncertain significance (1); Likely benign (1). Last evaluated 2024-03-01.

Conditions:
Inborn genetic diseases. Identifiers: MedGen C0950123, MeSH D030342.

Allele frequency attached by ClinVar (database versions not stated): gnomAD exomes 0.00001 and 0.00002; ExAC 0.00002; gnomAD 0.00003.

Submissions (2):

Ambry Genetics
Classification: Likely benign for Inborn genetic diseases. Last evaluated: 2024-03-01. Review status: criteria provided, single submitter. Criteria: Ambry Variant Classification Scheme 2023. Collection method: clinical testing. Allele origin: germline.

Labcorp Genetics (formerly Invitae), Labcorp
Classification: Uncertain significance. Last evaluated: 2024-02-05. Review status: criteria provided, single submitter. Criteria: Invitae Variant Classification Sherloc (09022015). Collection method: clinical testing. Allele origin: germline.
Comment: This sequence change replaces serine, which is neutral and polar, with asparagine, which is neutral and polar, at codon 3804 of the ANK3 protein (p.Ser3804Asn). This variant is present in population databases (rs759652500, gnomAD 0.007%). This variant has not been reported in the literature in individuals affected with ANK3-related conditions. ClinVar contains an entry for this variant (Variation ID: 1496379). Advanced modeling of protein sequence and biophysical properties (such as structural, functional, and spatial information, amino acid conservation, physicochemical variation, residue mobility, and thermodynamic stability) performed at Invitae indicates that this missense variant is not expected to disrupt ANK3 protein function with a negative predictive value of 80%. In summary, the available evidence is currently insufficient to determine the role of this variant in disease. Therefore, it has been classified as a Variant of Uncertain Significance.

NM_020987.5(ANK3):c.11411G>A (p.Ser3804Asn)

Gene: ANK3 (ankyrin 3; minus strand). Cytogenetic location: 10q21.2.
Variant type: single nucleotide variant.
Coding change: c.11411G>A on transcript NM_020987.5 (MANE Select); coding-DNA position 11411, G replaced by A.
Protein change: p.Ser3804Asn; replaces serine 3804 with asparagine.
Molecular consequence: missense variant. On other transcripts: intron variant (4).
Genome position (GRCh38, 1-based): chr10:60,069,470, C>T on the plus strand (G>A on the coding strand, the complement: ANK3 is on the minus strand). VCF-style: chr10-60069470-C-T. GRCh37 (hg19) VCF-style: chr10-61829228-C-T.
Other names: c.11411G>A (NM_020987.3); c.4388-1461G>A (NM_001204403.2); c.4409-1461G>A (NM_001204404.2); c.4406-1461G>A (NM_001320874.2); c.1808-1461G>A (NM_001149.4); short protein forms S3804N.
Identifiers: ClinVar variation 1496379 (VCV001496379.9), dbSNP rs759652500, ClinGen allele CA5511101.
Genomic context (GRCh38, chr10:60,069,470, plus strand): 5'-ACTGGGTTATCTTTCTCTGTGGTACAAGTGGGTGCAGAATGTTCTGTCAGAACTATATTA[C>T]TCATAATGTTATCTGTCTGTATAGTGGAAGAATCCAAATTGTTGTTGTTATTAAAGTTAT-3'
Protein context (NP_066267.2, residues 3794-3814): SSTIQTDNIM[Ser3804Asn]NIVLTEHSAP